The following is an entry in ClinVar:

NM_000179.3(MSH6):c.1739C>G (p.Ser580Trp)

Gene: MSH6 (mutS homolog 6; plus strand). Cytogenetic location: 2p16.3.
Variant type: single nucleotide variant.
Coding change: c.1739C>G on transcript NM_000179.3 (MANE Select); coding-DNA position 1739, C replaced by G.
Protein change: p.Ser580Trp; replaces serine 580 with tryptophan.
Molecular consequence: missense variant.
Genome position (GRCh38, 1-based): chr2:47,799,722, C>G. VCF-style: chr2-47799722-C-G. GRCh37 (hg19) VCF-style: chr2-48026861-C-G.
Other names: c.1349C>G, p.Ser450Trp (NM_001281492.2); c.833C>G, p.Ser278Trp (NM_001281493.2, NM_001281494.2); short protein forms S278W, S580W, S450W.
Identifiers: ClinVar variation 942044 (VCV000942044.13), dbSNP rs41295270, ClinGen allele CA346748831.

ClinVar aggregate classification (germline): Conflicting classifications of pathogenicity. Review status: criteria provided, conflicting classifications (1 of 4 stars). 2 submissions from 2 submitters: Uncertain significance (1); Likely benign (1). Last evaluated 2025-02-25.

Conditions:
Hereditary cancer-predisposing syndrome. Also called: Hereditary neoplastic syndrome; Neoplastic Syndromes, Hereditary; Tumor predisposition; Hereditary Cancer Syndrome. Identifiers: Orphanet 140162, MedGen C0027672, MeSH D009386, MONDO:0015356.
Hereditary nonpolyposis colorectal neoplasms. Identifiers: MedGen C0009405, MeSH D003123.

gnomAD v4.1: 1 of 1,614,078 alleles (0.000062%); highest among the groups gnomAD compares: African/African-American, 0.0013%; no homozygotes.

Submissions (2):

Ambry Genetics
Classification: Uncertain significance for Hereditary cancer-predisposing syndrome. Last evaluated: 2025-02-25. Review status: criteria provided, single submitter. Criteria: Ambry Variant Classification Scheme 2023. Collection method: clinical testing. Allele origin: germline.
Comment: The p.S580W variant (also known as c.1739C>G), located in coding exon 4 of the MSH6 gene, results from a C to G substitution at nucleotide position 1739. The serine at codon 580 is replaced by tryptophan, an amino acid with highly dissimilar properties. This amino acid position is highly conserved in available vertebrate species. In addition, this alteration is predicted to be deleterious by in silico analysis. Based on the available evidence, the clinical significance of this variant remains unclear.

Labcorp Genetics (formerly Invitae), Labcorp
Classification: Likely benign for Hereditary nonpolyposis colorectal neoplasms. Last evaluated: 2024-04-30. Review status: criteria provided, single submitter. Criteria: Invitae Variant Classification Sherloc (09022015). Collection method: clinical testing. Allele origin: germline.